The following is an entry in ClinVar:

NM_181741.4(ORC4):c.92dup (p.Ser32fs)

Gene: ORC4 (origin recognition complex subunit 4; minus strand). Cytogenetic location: 2q23.1.
Variant type: Duplication.
Coding change: c.92dup on transcript NM_181741.4 (MANE Select); coding-DNA position 92, one base duplicated (A; older notation c.92dupA).
Protein change: p.Ser32fs; shifts the reading frame from serine 32.
Molecular consequence: frameshift variant. On other transcripts: 5 prime UTR variant (2), intron variant (1).
Genome position (GRCh38, 1-based): chr2:147,973,490, T duplicated on the plus strand (A on the coding strand, the reverse complement: ORC4 is on the minus strand). VCF-style (leftmost placement, unchanged base first): chr2-147973489-C-CT. GRCh37 (hg19) VCF-style: chr2-148731058-C-CT.
Other names: c.92dup, p.Ser32fs (NM_001190879.3, NM_001374270.1, NM_002552.5); c.-131dup (NM_001190882.3); c.-226dup (NM_001374272.1); c.92dup, p.Ser32Glufs (NM_181742.5); c.-27-14624dup (NM_001190881.3); short protein forms S32fs.
Identifiers: ClinVar variation 2828556 (VCV002828556.3), dbSNP rs780889272, ClinGen allele CA1899733.

ClinVar aggregate classification (germline): Pathogenic (1 of 4 stars; one submission).

Allele frequency attached by ClinVar (database versions not stated): ExAC 0.00001.

Submission:

Labcorp Genetics (formerly Invitae), Labcorp
Classification: Pathogenic. Last evaluated: 2023-01-14. Review status: criteria provided, single submitter. Criteria: Invitae Variant Classification Sherloc (09022015). Collection method: clinical testing. Allele origin: germline.
Comment: For these reasons, this variant has been classified as Pathogenic. This variant has not been reported in the literature in individuals affected with ORC4-related conditions. This variant is present in population databases (rs780889272, gnomAD 0.0009%). This sequence change creates a premature translational stop signal (p.Ser32Glufs*4) in the ORC4 gene. It is expected to result in an absent or disrupted protein product. Loss-of-function variants in ORC4 are known to be pathogenic (PMID: 21358631, 21358632, 22333897).

Literature cited by the submitters: PubMed 21358631; PubMed 21358632; PubMed 22333897.